The following is an entry in ClinVar:

ClinVar aggregate classification (germline): Pathogenic (1 of 4 stars; one submission).

Conditions:
Hyper-IgE recurrent infection syndrome 3, autosomal recessive. Also called: Autosomal recessive hyper-IgE syndrome due to ZNF341 deficiency; HYPER-IgE SYNDROME 3, AUTOSOMAL RECESSIVE, WITH RECURRENT INFECTIONS. Identifiers: Orphanet 641368, MedGen C4748969, MONDO:0032654, OMIM 618282.

Submission:

Labcorp Genetics (formerly Invitae), Labcorp
Classification: Pathogenic for Combined immunodeficiency due to DOCK8 deficiency. Last evaluated: 2024-01-18. Review status: criteria provided, single submitter. Criteria: Invitae Variant Classification Sherloc (09022015). Collection method: clinical testing. Allele origin: germline.
Comment: This variant is a gross deletion of the genomic region encompassing exon(s) 1 of the DOCK8 gene, which includes the initiator codon. This deletion extends beyond the assayed region for this gene and therefore may encompass additional genes. It is expected to result in an absent or disrupted protein product. Loss-of-function variants in DOCK8 are known to be pathogenic (PMID: 14722525, 19776401). A similar copy number variant has been observed in individual(s) with autosomal recessive hyper-IgE syndrome (PMID: 25724123). For these reasons, this variant has been classified as Pathogenic.

Literature cited by the submitters: PubMed 14722525; PubMed 19776401; PubMed 25724123.

NC_000009.11:g.(?_214977)_(215049_?)del

Genes: DOCK8 (dedicator of cytokinesis 8; plus strand), DOCK8-AS1 (DOCK8 antisense RNA 1; minus strand). Cytogenetic location: 9p24.3.
Variant type: Deletion.
Identifiers: ClinVar variation 1070493 (VCV001070493.10).